The following is an entry in ClinVar:

NM_030805.4(LMAN2L):c.141G>A (p.Thr47=)

Gene: LMAN2L (lectin, mannose binding 2 like; minus strand). Cytogenetic location: 2q11.2.
Variant type: single nucleotide variant.
Coding change: c.141G>A on transcript NM_030805.4 (MANE Select); coding-DNA position 141, G replaced by A.
Protein change: p.Thr47=; no amino-acid change (threonine 47 retained).
Molecular consequence: synonymous variant. On other transcripts: 5 prime UTR variant (8).
Genome position (GRCh38, 1-based): chr2:96,739,900, C>T on the plus strand (G>A on the coding strand, the complement: LMAN2L is on the minus strand). VCF-style: chr2-96739900-C-T. GRCh37 (hg19) VCF-style: chr2-97405637-C-T.
Other names: c.141G>A, p.Thr47= (NM_001142292.2); c.-212G>A (NM_001322346.2, NM_001322356.2); c.-155G>A (NM_001322347.2, NM_001322350.2); c.-93G>A (NM_001322351.2); c.-355G>A (NM_001322352.2); c.-226G>A (NM_001322354.2); c.-293G>A (NM_001322355.2).
Identifiers: ClinVar variation 2651152 (VCV002651152.25), dbSNP rs756734542, ClinGen allele CA1783097.
Genomic context (GRCh38, chr2:96,739,900, plus strand): 5'-CCTGGGCGCCTCACCCTGGTAGGGCTTCGACAGCGAGTGCTCCCGTTTCAAGTACTCGAA[C>T]GTTTGACCCGCCCCGACTTGCTGTGGCCCCTGCCCAGACCCCAACAAAAGAAGAAGGAGT-3'
Protein context (NP_110432.1, residues 37-57): QGPQQVGAGQ[Thr47=]FEYLKREHSL

ClinVar aggregate classification (germline): Likely benign. Review status: criteria provided, multiple submitters, no conflicts (2 of 4 stars). 2 submissions from 2 submitters: Likely benign (2). Last evaluated 2024-09-03.

Allele frequency attached by ClinVar (database versions not stated): TOPMed 0.00002; gnomAD 0.00004.
gnomAD v4.1: 39 of 1,613,972 alleles (0.0024%); highest among the groups gnomAD compares: Non-Finnish European, 0.0032%; no homozygotes.

Submissions (2):

Blueprint Genetics
Classification: Likely benign. Last evaluated: 2024-09-03. Review status: criteria provided, single submitter. Criteria: ACMG Guidelines, 2015. Collection method: clinical testing. Allele origin: germline.

CeGaT Center for Human Genetics Tuebingen
Classification: Likely benign. Last evaluated: 2022-10-01. Review status: criteria provided, single submitter. Criteria: CeGaT Center For Human Genetics Tuebingen Variant Classification Criteria Version 2. Collection method: clinical testing. Allele origin: germline. Affected: yes. Observed: 2 variant alleles.
Comment: LMAN2L: BP4, BP7